The following is an entry in ClinVar:

ClinVar aggregate classification (germline): Likely benign. Review status: criteria provided, single submitter (1 of 4 stars). 2 submissions from 2 submitters: Likely benign (1). 1 of the submissions does not count toward it. Last evaluated 2024-06-04.

Conditions:
PLXNA2-related disorder. Also called: PLXNA2-related condition.

Allele frequency attached by ClinVar (database versions not stated): gnomAD 0.00004 and 0.00005; ESP Exome Variant Server 0.00008; TOPMed 0.00009; ExAC 0.00018; 1000 Genomes Project 0.00020; gnomAD exomes 0.00020; 1000 Genomes Project 30x 0.00031.
gnomAD v4.1: 68 of 1,614,168 alleles (0.0042%); highest among the groups gnomAD compares: Admixed American, 0.087%; no homozygotes.

Submissions (2):

Labcorp Genetics (formerly Invitae), Labcorp
Classification: Likely benign. Last evaluated: 2024-06-04. Review status: criteria provided, single submitter. Criteria: Invitae Variant Classification Sherloc (09022015). Collection method: clinical testing. Allele origin: germline.

PreventionGenetics, part of Exact Sciences
Classification: Likely benign for PLXNA2-related condition. Last evaluated: 2021-10-24. Review status: no assertion criteria provided. Collection method: clinical testing. Allele origin: germline. Not counted in ClinVar's aggregate classification.
Comment: This variant is classified as likely benign based on ACMG/AMP sequence variant interpretation guidelines (Richards et al. 2015 PMID: 25741868, with internal and published modifications).

NM_025179.4(PLXNA2):c.495G>A (p.Thr165=)

Gene: PLXNA2 (plexin A2; minus strand). Cytogenetic location: 1q32.2.
Variant type: single nucleotide variant.
Coding change: c.495G>A on transcript NM_025179.4 (MANE Select); coding-DNA position 495, G replaced by A.
Protein change: p.Thr165=; no amino-acid change (threonine 165 retained).
Molecular consequence: synonymous variant.
Genome position (GRCh38, 1-based): chr1:208,217,428, C>T on the plus strand (G>A on the coding strand, the complement: PLXNA2 is on the minus strand). VCF-style: chr1-208217428-C-T. GRCh37 (hg19) VCF-style: chr1-208390773-C-T.
Other names: c.495G>A (NM_025179.3).
Identifiers: ClinVar variation 1579906 (VCV001579906.10), dbSNP rs373183654, ClinGen allele CA1374064.